The following is an entry in ClinVar:

ClinVar aggregate classification (germline): Uncertain significance (1 of 4 stars; one submission).

gnomAD v4.1: 14 of 1,613,896 alleles (0.00087%); highest among the groups gnomAD compares: African/African-American, 0.0027%; no homozygotes.

Submission:

Women's Health and Genetics/Laboratory Corporation of America, LabCorp
Classification: Uncertain significance. Last evaluated: 2025-03-10. Review status: criteria provided, single submitter. Criteria: LabCorp Variant Classification Summary - May 2015. Collection method: clinical testing. Allele origin: germline.
Comment: Variant summary: P2RY12 c.706G>A (p.Val236Ile) results in a conservative amino acid change in the encoded protein sequence. Four of five in-silico tools predict a benign effect of the variant on protein function. The variant allele was found at a frequency of 4e-06 in 250920 control chromosomes. The available data on variant occurrences in the general population are insufficient to allow any conclusion about variant significance. To our knowledge, no occurrence of c.706G>A in individuals affected with Platelet-Type Bleeding Disorder 8 and no experimental evidence demonstrating its impact on protein function have been reported. No submitters have cited clinical-significance assessments for this variant to ClinVar. Based on the evidence outlined above, the variant was classified as uncertain significance.

NM_022788.5(P2RY12):c.706G>A (p.Val236Ile)

Genes: MED12L (mediator complex subunit 12L; plus strand), P2RY12 (purinergic receptor P2Y12; minus strand). Cytogenetic location: 3q25.1.
Variant type: single nucleotide variant.
Coding change: c.706G>A on transcript NM_022788.5 (MANE Select); coding-DNA position 706, G replaced by A.
Protein change: p.Val236Ile; replaces valine 236 with isoleucine.
Molecular consequence: missense variant. On other transcripts: intron variant (2).
Genome position (GRCh38, 1-based): chr3:151,338,140, C>T on the plus strand (G>A on the coding strand, the complement: P2RY12 is on the minus strand). VCF-style: chr3-151338140-C-T. GRCh37 (hg19) VCF-style: chr3-151055928-C-T.
Other names: c.706G>A, p.Val236Ile (NM_176876.3); c.2251-11919C>T (NM_001393769.1); c.2146-11919C>T (NM_053002.6); short protein forms V236I.
Identifiers: ClinVar variation 3895740 (VCV003895740.1).